The following is an entry in ClinVar:

ClinVar aggregate classification (germline): Uncertain significance. Review status: criteria provided, multiple submitters, no conflicts (2 of 4 stars). 2 submissions from 2 submitters: Uncertain significance (2). Last evaluated 2022-07-27.

Conditions:
Hereditary cancer-predisposing syndrome. Also called: Neoplastic Syndromes, Hereditary; Tumor predisposition; Hereditary Cancer Syndrome; Hereditary neoplastic syndrome. Identifiers: Orphanet 140162, MedGen C0027672, MeSH D009386, MONDO:0015356.
Parathyroid carcinoma (PRTC). Also called: CDC73-Related Parathyroid Carcinoma; Parathyroid gland carcinoma. Identifiers: Orphanet 143, MedGen C0687150, MONDO:0012004, OMIM 608266, HP:0006780.

Submissions (2):

Labcorp Genetics (formerly Invitae), Labcorp
Classification: Uncertain significance for Parathyroid carcinoma. Last evaluated: 2022-07-27. Review status: criteria provided, single submitter. Criteria: Invitae Variant Classification Sherloc (09022015). Collection method: clinical testing. Allele origin: germline.
Comment: In summary, the available evidence is currently insufficient to determine the role of this variant in disease. Therefore, it has been classified as a Variant of Uncertain Significance. Algorithms developed to predict the effect of missense changes on protein structure and function (SIFT, PolyPhen-2, Align-GVGD) all suggest that this variant is likely to be tolerated. This variant has not been reported in the literature in individuals affected with CDC73-related conditions. This variant is not present in population databases (gnomAD no frequency). This sequence change replaces proline, which is neutral and non-polar, with serine, which is neutral and polar, at codon 509 of the CDC73 protein (p.Pro509Ser).

Ambry Genetics
Classification: Uncertain significance for Hereditary cancer-predisposing syndrome. Last evaluated: 2022-05-06. Review status: criteria provided, single submitter. Criteria: Ambry Variant Classification Scheme 2023. Collection method: clinical testing. Allele origin: germline.
Comment: The p.P509S variant (also known as c.1525C>T), located in coding exon 16 of the CDC73 gene, results from a C to T substitution at nucleotide position 1525. The proline at codon 509 is replaced by serine, an amino acid with similar properties. This amino acid position is conserved. In addition, the in silico prediction for this alteration is inconclusive. Since supporting evidence is limited at this time, the clinical significance of this alteration remains unclear.

NM_024529.5(CDC73):c.1525C>T (p.Pro509Ser)

Gene: CDC73 (cell division cycle 73; plus strand). Cytogenetic location: 1q31.2.
Variant type: single nucleotide variant.
Coding change: c.1525C>T on transcript NM_024529.5 (MANE Select); coding-DNA position 1525, C replaced by T.
Protein change: p.Pro509Ser; replaces proline 509 with serine.
Molecular consequence: missense variant.
Genome position (GRCh38, 1-based): chr1:193,249,837, C>T. VCF-style: chr1-193249837-C-T. GRCh37 (hg19) VCF-style: chr1-193218967-C-T.
Other names: short protein forms P509S.
Identifiers: ClinVar variation 1713948 (VCV001713948.8), dbSNP rs2102073546, ClinGen allele CA344078584.